The following is an entry in ClinVar:

ClinVar aggregate classification (germline): Uncertain significance (1 of 4 stars; one submission).

gnomAD v4.1: 4 of 1,609,766 alleles (0.00025%); highest among the groups gnomAD compares: South Asian, 0.0044%; no homozygotes.

Submission:

Ambry Genetics
Classification: Uncertain significance. Last evaluated: 2024-10-20. Review status: criteria provided, single submitter. Criteria: Ambry Variant Classification Scheme 2023. Collection method: clinical testing. Allele origin: germline.
Comment: The p.I986M variant (also known as c.2958C>G), located in coding exon 24 of the BUB1 gene, results from a C to G substitution at nucleotide position 2958. The isoleucine at codon 986 is replaced by methionine, an amino acid with highly similar properties. This amino acid position is conserved. In addition, this alteration is predicted to be tolerated by in silico analysis. Based on the available evidence, the clinical significance of this variant remains unclear.

NM_004336.5(BUB1):c.2958C>G (p.Ile986Met)

Gene: BUB1 (BUB1 mitotic checkpoint serine/threonine kinase; minus strand). Cytogenetic location: 2q13.
Variant type: single nucleotide variant.
Coding change: c.2958C>G on transcript NM_004336.5 (MANE Select); coding-DNA position 2958, C replaced by G.
Protein change: p.Ile986Met; replaces isoleucine 986 with methionine.
Molecular consequence: missense variant.
Genome position (GRCh38, 1-based): chr2:110,639,846, G>C on the plus strand (C>G on the coding strand, the complement: BUB1 is on the minus strand). VCF-style: chr2-110639846-G-C. GRCh37 (hg19) VCF-style: chr2-111397423-G-C.
Other names: c.2898C>G, p.Ile966Met (NM_001278616.2); c.2787C>G, p.Ile929Met (NM_001278617.2); short protein forms I929M, I986M, I966M.
Identifiers: ClinVar variation 3483081 (VCV003483081.1).